The following is an entry in ClinVar:

NM_001379270.1(CNGA1):c.968T>A (p.Phe323Tyr)

Genes: CNGA1 (cyclic nucleotide gated channel subunit alpha 1; minus strand), LOC101927157 (uncharacterized LOC101927157; plus strand). Cytogenetic location: 4p12.
Variant type: single nucleotide variant.
Coding change: c.968T>A on transcript NM_001379270.1 (MANE Select); coding-DNA position 968, T replaced by A.
Protein change: p.Phe323Tyr; replaces phenylalanine 323 with tyrosine.
Molecular consequence: missense variant.
Genome position (GRCh38, 1-based): chr4:47,937,514, A>T on the plus strand (T>A on the coding strand, the complement: CNGA1 is on the minus strand). VCF-style: chr4-47937514-A-T. GRCh37 (hg19) VCF-style: chr4-47939531-A-T.
Other names: c.968T>A, p.Phe323Tyr (NM_000087.5, NM_001142564.2); c.980T>A (NM_000087.3); short protein forms F323Y.
Identifiers: ClinVar variation 1508550 (VCV001508550.11), dbSNP rs370559396, ClinGen allele CA2911161.

ClinVar aggregate classification (germline): Uncertain significance. Review status: criteria provided, multiple submitters, no conflicts (2 of 4 stars). 3 submissions from 3 submitters: Uncertain significance (3). Last evaluated 2025-09-22.

Conditions:
Inborn genetic diseases. Identifiers: MedGen C0950123, MeSH D030342.

Allele frequency attached by ClinVar (database versions not stated): gnomAD exomes 0.00001; ExAC 0.00002; gnomAD 0.00003; TOPMed 0.00004; ESP Exome Variant Server 0.00008.
gnomAD v4.1: 16 of 1,614,056 alleles (0.00099%); highest among the groups gnomAD compares: African/African-American, 0.013%; no homozygotes.

Submissions (3):

Ambry Genetics
Classification: Uncertain significance for Inborn genetic diseases. Last evaluated: 2025-09-22. Review status: criteria provided, single submitter. Criteria: Ambry Variant Classification Scheme 2023. Collection method: clinical testing. Allele origin: germline.

Labcorp Genetics (formerly Invitae), Labcorp
Classification: Uncertain significance. Last evaluated: 2022-04-22. Review status: criteria provided, single submitter. Criteria: Invitae Variant Classification Sherloc (09022015). Collection method: clinical testing. Allele origin: germline.
Comment: This variant has not been reported in the literature in individuals affected with CNGA1-related conditions. In summary, the available evidence is currently insufficient to determine the role of this variant in disease. Therefore, it has been classified as a Variant of Uncertain Significance. Algorithms developed to predict the effect of missense changes on protein structure and function are either unavailable or do not agree on the potential impact of this missense change (SIFT: "Deleterious"; PolyPhen-2: "Probably Damaging"; Align-GVGD: "Class C0"). This variant is present in population databases (rs370559396, gnomAD 0.02%). This sequence change replaces phenylalanine, which is neutral and non-polar, with tyrosine, which is neutral and polar, at codon 327 of the CNGA1 protein (p.Phe327Tyr).

Blueprint Genetics
Classification: Uncertain significance. Last evaluated: 2021-08-11. Review status: criteria provided, single submitter. Criteria: ACMG Guidelines, 2015. Collection method: clinical testing. Allele origin: germline.